The following is an entry in ClinVar:

NM_000049.4(ASPA):c.734del (p.Pro245fs)

Genes: ASPA (aspartoacylase; plus strand), SPATA22 (spermatogenesis associated 22; minus strand). Cytogenetic location: 17p13.2.
Variant type: Deletion.
Coding change: c.734del on transcript NM_000049.4 (MANE Select); coding-DNA position 734, one base deleted (C; older notation c.734delC).
Protein change: p.Pro245fs; shifts the reading frame from proline 245.
Molecular consequence: frameshift variant. On other transcripts: intron variant (2).
Genome position (GRCh38, 1-based): chr17:3,494,449, C deleted; the last of 2 consecutive C bases (chr17:3,494,448-3,494,449); deleting either gives the same sequence. VCF-style (leftmost placement, unchanged base first): chr17-3494447-TC-T. GRCh37 (hg19) VCF-style: chr17-3397741-TC-T.
Other names: c.734del, p.Pro245fs (NM_001128085.1); c.-74+18964del (NM_001321336.2, NM_001321337.2); short protein forms P245fs.
Identifiers: ClinVar variation 2815511 (VCV002815511.3), dbSNP rs2543648257, ClinGen allele CA2739267046.

ClinVar aggregate classification (germline): Pathogenic (1 of 4 stars; one submission).

Conditions:
Spongy degeneration of central nervous system. Also called: AMINOACYLASE 2 DEFICIENCY; ACY2 DEFICIENCY; ASP DEFICIENCY; ASPA DEFICIENCY; ASPARTOACYLASE DEFICIENCY; CANAVAN-VAN BOGAERT-BERTRAND DISEASE. Identifiers: Orphanet 141, MedGen C0206307, MONDO:0010079, OMIM 271900.

Submission:

Labcorp Genetics (formerly Invitae), Labcorp
Classification: Pathogenic for Spongy degeneration of central nervous system. Last evaluated: 2022-11-20. Review status: criteria provided, single submitter. Criteria: Invitae Variant Classification Sherloc (09022015). Collection method: clinical testing. Allele origin: germline.
Comment: For these reasons, this variant has been classified as Pathogenic. This variant disrupts a region of the ASPA protein in which other variant(s) (p.Ala305Glu) have been determined to be pathogenic (PMID: 8023850, 10909858, 16217711, 22750302, 22850825). This suggests that this is a clinically significant region of the protein, and that variants that disrupt it are likely to be disease-causing. This variant has not been reported in the literature in individuals affected with ASPA-related conditions. This variant is not present in population databases (gnomAD no frequency). This sequence change creates a premature translational stop signal (p.Pro245Leufs*19) in the ASPA gene. While this is not anticipated to result in nonsense mediated decay, it is expected to disrupt the last 69 amino acid(s) of the ASPA protein.

Literature cited by the submitters: PubMed 8023850; PubMed 10909858; PubMed 16217711; PubMed 22750302; PubMed 22850825.